The following is an entry in ClinVar:

ClinVar aggregate classification (germline): Uncertain significance (1 of 4 stars; one submission).

Submission:

GeneDx
Classification: Uncertain significance. Last evaluated: 2024-12-30. Review status: criteria provided, single submitter. Criteria: GeneDx Variant Classification Process June 2021. Collection method: clinical testing. Allele origin: germline. Affected: yes.
Comment: Not observed at significant frequency in large population cohorts (gnomAD); In silico analysis indicates that this missense variant does not alter protein structure/function; Has not been previously published as pathogenic or benign to our knowledge

NM_014806.5(RUSC2):c.916T>C (p.Cys306Arg)

Gene: RUSC2 (RUN and SH3 domain containing 2; plus strand). Cytogenetic location: 9p13.3.
Variant type: single nucleotide variant.
Coding change: c.916T>C on transcript NM_014806.5 (MANE Select); coding-DNA position 916, T replaced by C.
Protein change: p.Cys306Arg; replaces cysteine 306 with arginine.
Molecular consequence: missense variant. On other transcripts: non-coding transcript variant (1), intron variant (1).
Genome position (GRCh38, 1-based): chr9:35,547,437, T>C. VCF-style: chr9-35547437-T-C. GRCh37 (hg19) VCF-style: chr9-35547434-T-C.
Other names: c.916T>C, p.Cys306Arg (NM_001135999.2); c.-620-7623T>C (NM_001330740.2); short protein forms C306R.
Identifiers: ClinVar variation 3907718 (VCV003907718.1).